The following is an entry in ClinVar:

NM_002900.3(RBP3):c.1399C>T (p.Pro467Ser)

Gene: RBP3 (retinol binding protein 3; plus strand). Cytogenetic location: 10q11.22.
Variant type: single nucleotide variant.
Coding change: c.1399C>T on transcript NM_002900.3 (MANE Select); coding-DNA position 1399, C replaced by T.
Protein change: p.Pro467Ser; replaces proline 467 with serine.
Molecular consequence: missense variant.
Genome position (GRCh38, 1-based): chr10:47,349,883, C>T. VCF-style: chr10-47349883-C-T. GRCh37 (hg19) VCF-style: chr10-48389479-G-A.
Other names: short protein forms P467S.
Identifiers: ClinVar variation 299982 (VCV000299982.12), dbSNP rs782195686, ClinGen allele CA5487532.

ClinVar aggregate classification (germline): Uncertain significance. Review status: criteria provided, multiple submitters, no conflicts (2 of 4 stars). 3 submissions from 3 submitters: Uncertain significance (3). Last evaluated 2022-09-07.

Conditions:
Retinitis pigmentosa (RP). Identifiers: Orphanet 791, MedGen C0035334, MeSH D012174, MONDO:0019200, OMIM 268000. Inheritance: Autosomal dominant, autosomal recessive and X linked inheritance.

Allele frequency attached by ClinVar (database versions not stated): gnomAD 0.00001 and 0.00003; TOPMed 0.00001; gnomAD exomes 0.00004 and 0.00007; ExAC 0.00008.
gnomAD v4.1: 65 of 1,613,062 alleles (0.004%); highest among the groups gnomAD compares: South Asian, 0.057%; no homozygotes.

Submissions (3):

Labcorp Genetics (formerly Invitae), Labcorp
Classification: Uncertain significance. Last evaluated: 2022-09-07. Review status: criteria provided, single submitter. Criteria: Invitae Variant Classification Sherloc (09022015). Collection method: clinical testing. Allele origin: germline.
Comment: This sequence change replaces proline, which is neutral and non-polar, with serine, which is neutral and polar, at codon 467 of the RBP3 protein (p.Pro467Ser). This variant is present in population databases (rs782195686, gnomAD 0.05%). This variant has not been reported in the literature in individuals affected with RBP3-related conditions. ClinVar contains an entry for this variant (Variation ID: 299982). Algorithms developed to predict the effect of missense changes on protein structure and function are either unavailable or do not agree on the potential impact of this missense change (SIFT: "Deleterious"; PolyPhen-2: "Probably Damaging"; Align-GVGD: "Class C0"). In summary, the available evidence is currently insufficient to determine the role of this variant in disease. Therefore, it has been classified as a Variant of Uncertain Significance.

Blueprint Genetics
Classification: Uncertain significance. Last evaluated: 2022-07-26. Review status: criteria provided, single submitter. Criteria: ACMG Guidelines, 2015. Collection method: clinical testing. Allele origin: germline.

Illumina Laboratory Services, Illumina
Classification: Uncertain significance for Retinitis pigmentosa. Last evaluated: 2018-01-13. Review status: criteria provided, single submitter. Criteria: ICSL Variant Classification Criteria 13 December 2019. Collection method: clinical testing. Allele origin: germline.